The following is an entry in ClinVar:

ClinVar aggregate classification (germline): Pathogenic (1 of 4 stars; one submission).

Conditions:
HYPERHOMOCYSTEINEMIA, THROMBOTIC, CBS-RELATED. Identifiers: MedGen C3150344, OMIM 236200.

Submission:

Labcorp Genetics (formerly Invitae), Labcorp
Classification: Pathogenic for HYPERHOMOCYSTEINEMIA, THROMBOTIC, CBS-RELATED. Last evaluated: 2021-04-14. Review status: criteria provided, single submitter. Criteria: Invitae Variant Classification Sherloc (09022015). Collection method: clinical testing. Allele origin: germline.
Comment: For these reasons, this variant has been classified as Pathogenic. This variant has not been reported in the literature in individuals with CBS-related conditions. This variant is a gross deletion of the genomic region encompassing exon(s) 1-3 of the CBS gene, which includes the initiator codon. The 5' end of this event is unknown as it extends beyond the assayed region for this gene and therefore may encompass additional genes. The 3' boundary is likely confined to intron 3 of the CBS gene. It is expected to result in an absent or disrupted protein product. Loss-of-function variants in CBS are known to be pathogenic (PMID: 10338090, 12124992).

Literature cited by the submitters: PubMed 10338090; PubMed 12124992.

NC_000021.8:g.(?_44492085)_(44496976_?)del

Gene: CBS (cystathionine beta-synthase; minus strand). Cytogenetic location: 21q22.3.
Variant type: Deletion.
Identifiers: ClinVar variation 1356572 (VCV001356572.4).